The following is an entry in ClinVar:

NM_024529.5(CDC73):c.38T>C (p.Ile13Thr)

Gene: CDC73 (cell division cycle 73; plus strand). Cytogenetic location: 1q31.2.
Variant type: single nucleotide variant.
Coding change: c.38T>C on transcript NM_024529.5 (MANE Select); coding-DNA position 38, T replaced by C.
Protein change: p.Ile13Thr; replaces isoleucine 13 with threonine.
Molecular consequence: missense variant.
Genome position (GRCh38, 1-based): chr1:193,122,238, T>C. VCF-style: chr1-193122238-T-C. GRCh37 (hg19) VCF-style: chr1-193091368-T-C.
Other names: short protein forms I13T.
Identifiers: ClinVar variation 3668821 (VCV003668821.2).
Genomic context (GRCh38, chr1:193,122,238, plus strand): 5'-CGGCGGAGGCGAGGGGGGGGAAGATGGCGGACGTGCTTAGCGTCCTGCGACAGTACAACA[T>C]CCAGAAGAAGGAGATTGTGGTGAAGGGAGACGAAGTGATCTTCGGGGAGTTCTCCTGGCC-3'
Protein context (NP_078805.3, residues 3-23): DVLSVLRQYN[Ile13Thr]QKKEIVVKGD

ClinVar aggregate classification (germline): Uncertain significance (1 of 4 stars; one submission).

Conditions:
Parathyroid carcinoma (PRTC). Also called: Parathyroid gland carcinoma; CDC73-Related Parathyroid Carcinoma. Identifiers: Orphanet 143, MedGen C0687150, MONDO:0012004, OMIM 608266, HP:0006780.

gnomAD v4.1: 2 of 1,614,066 alleles (0.00012%); highest among the groups gnomAD compares: Non-Finnish European, 0.00017%; no homozygotes.

Submission:

Labcorp Genetics (formerly Invitae), Labcorp
Classification: Uncertain significance for Parathyroid carcinoma. Last evaluated: 2024-03-27. Review status: criteria provided, single submitter. Criteria: Invitae Variant Classification Sherloc (09022015). Collection method: clinical testing. Allele origin: germline.
Comment: This sequence change replaces isoleucine, which is neutral and non-polar, with threonine, which is neutral and polar, at codon 13 of the CDC73 protein (p.Ile13Thr). This variant is not present in population databases (gnomAD no frequency). This variant has not been reported in the literature in individuals affected with CDC73-related conditions. Advanced modeling of protein sequence and biophysical properties (such as structural, functional, and spatial information, amino acid conservation, physicochemical variation, residue mobility, and thermodynamic stability) performed at Invitae indicates that this missense variant is not expected to disrupt CDC73 protein function with a negative predictive value of 80%. In summary, the available evidence is currently insufficient to determine the role of this variant in disease. Therefore, it has been classified as a Variant of Uncertain Significance.